The following is an entry in ClinVar:

ClinVar aggregate classification (germline): Pathogenic. Review status: criteria provided, multiple submitters, no conflicts (2 of 4 stars). 8 submissions from 7 submitters: Pathogenic (7). 1 of the submissions does not count toward it. Last evaluated 2023-04-25.

Conditions:
NSD1-related disorder. Also called: NSD1-related condition.
Sotos syndrome (SOTOS). Also called: Distinctive facial appearance, overgrowth in childhood, and learning disabilities or delayed development; CEREBRAL GIGANTISM; Sotos' syndrome; CHROMOSOME 5q35 DELETION SYNDROME; SOTOS SYNDROME 1. Identifiers: Orphanet 821, MedGen C0175695, MONDO:0019349, OMIM 117550.

Submissions (8):

Labcorp Genetics (formerly Invitae), Labcorp
Classification: Pathogenic. Last evaluated: 2023-04-25. Review status: criteria provided, single submitter. Criteria: Invitae Variant Classification Sherloc (09022015). Collection method: clinical testing. Allele origin: germline.
Comment: For these reasons, this variant has been classified as Pathogenic. ClinVar contains an entry for this variant (Variation ID: 159369). This premature translational stop signal has been observed in individual(s) with an NSD1-related disorder (PMID: 12807965, 16247291, 22924495). In at least one individual the variant was observed to be de novo. This variant is not present in population databases (gnomAD no frequency). This sequence change creates a premature translational stop signal (p.Arg1811*) in the NSD1 gene. It is expected to result in an absent or disrupted protein product. Loss-of-function variants in NSD1 are known to be pathogenic (PMID: 12464997, 14571271, 15942875, 16247291).

GeneDx
Classification: Pathogenic. Last evaluated: 2022-12-15. Review status: criteria provided, single submitter. Criteria: GeneDx Variant Classification Process June 2021. Collection method: clinical testing. Allele origin: germline. Affected: yes.
Comment: Nonsense variant predicted to result in protein truncation or nonsense mediated decay in a gene for which loss of function is a known mechanism of disease; Not observed at significant frequency in large population cohorts (gnomAD); This variant is associated with the following publications: (PMID: 25525159, 25326635, 16247291, 24292195, 28475857, 30719864, 12807965, 22924495, 31019026, 31564432)

Genome-Nilou Lab
Classification: Pathogenic for Sotos syndrome. Last evaluated: 2021-07-15. Review status: criteria provided, single submitter. Criteria: ACMG Guidelines, 2015. Collection method: clinical testing. Allele origin: germline. Affected: no.

Blueprint Genetics
Classification: Pathogenic for NSD1-related disorders. Last evaluated: 2018-12-03. Review status: criteria provided, single submitter. Criteria: ACMG Guidelines, 2015. Collection method: clinical testing. Allele origin: germline. Affected: yes. Observed: 1 variant allele.

Rady Children's Institute for Genomic Medicine, Rady Children's Hospital San Diego
Classification: Pathogenic for SOTOS SYNDROME 1. Last evaluated: 2018-04-13. Review status: criteria provided, single submitter. Criteria: ACMG Guidelines, 2015. Collection method: clinical testing. Allele origin: germline. Affected: yes. Observed: 1 variant allele.
Comment: This variant is present in exon 16 of 23 and is therefore predicted to have a loss-of-function effect. NSD1 is loss-of-function intolerant (pLI=1) and haploinsufficiency is a well-established mechanism of disease. This variant has been previously reported in multiple individuals with Sotos syndrome (PMID: 15942875, 17565729, 16247291). It is absent from the ExAC and gnomAD population databases. Analysis of the parental samples was negative for the variant, indicating this variant likely occurred as a de novo event. Based on the available evidence, the c.5431C>T (p.Arg1811Ter) variant in NSD1 is classified as pathogenic.

Baylor Genetics
Classification: Pathogenic for Sotos syndrome. Last evaluated: 2017-09-01. Review status: criteria provided, single submitter. Criteria: ACMG Guidelines, 2015. Collection method: clinical testing. Allele origin: de novo. Inheritance: Autosomal dominant inheritance. Affected: yes.

Genetic Services Laboratory, University of Chicago
Classification: Pathogenic for Sotos syndrome 1. Last evaluated: 2013-02-08. Review status: criteria provided, single submitter. Criteria: ACMG Guidelines, 2007. Collection method: clinical testing. Allele origin: germline. Inheritance: Autosomal dominant inheritance. Affected: yes.

Labcorp Genetics (formerly Invitae), Labcorp
Classification: Pathogenic. Last evaluated: 2021-09-01. Review status: flagged submission. Criteria: Invitae Variant Classification Sherloc (09022015). Collection method: clinical testing. Allele origin: germline. Not counted in ClinVar's aggregate classification.
Comment: This sequence change creates a premature translational stop signal (p.Arg1811*) in the NSD1 gene. It is expected to result in an absent or disrupted protein product. Loss-of-function variants in NSD1 are known to be pathogenic (PMID: 12464997, 14571271, 15942875, 16247291). This variant is not present in population databases (ExAC no frequency). This premature translational stop signal has been observed in individual(s) with an NSD1-related disorder (PMID: 12807965, 16247291, 22924495). In at least one individual the variant was observed to be de novo. ClinVar contains an entry for this variant (Variation ID: 159369). For these reasons, this variant has been classified as Pathogenic.
ClinVar note: Reason: This record appears to be redundant with a more recent record from the same submitter.
ClinVar note: Notes: SCV001582277 appears to be redundant with SCV000944951.

Literature cited by the submitters: PubMed 12807965 (cited by Labcorp Genetics (formerly Invitae), Labcorp and Baylor Genetics); PubMed 16247291 (cited by Labcorp Genetics (formerly Invitae), Labcorp); PubMed 22924495 (cited by Labcorp Genetics (formerly Invitae), Labcorp); PubMed 12464997 (cited by Labcorp Genetics (formerly Invitae), Labcorp); PubMed 14571271 (cited by Labcorp Genetics (formerly Invitae), Labcorp); PubMed 15942875 (cited by Labcorp Genetics (formerly Invitae), Labcorp); PubMed 25326635 (cited by Baylor Genetics).

NM_022455.5(NSD1):c.5431C>T (p.Arg1811Ter)

Genes: NSD1 (nuclear receptor binding SET domain protein 1; plus strand), LOC126807619 (MED14-independent group 3 enhancer GRCh37_chr5:176696443-176697642; plus strand). Cytogenetic location: 5q35.3.
Variant type: single nucleotide variant.
Coding change: c.5431C>T on transcript NM_022455.5 (MANE Select); coding-DNA position 5431, C replaced by T.
Protein change: p.Arg1811Ter; replaces arginine 1811 with a stop codon.
Molecular consequence: nonsense.
Genome position (GRCh38, 1-based): chr5:177,269,729, C>T. VCF-style: chr5-177269729-C-T. GRCh37 (hg19) VCF-style: chr5-176696730-C-T.
Other names: c.4558C>T, p.Arg1520Ter (NM_001365684.2, NM_001409309.1, NM_172349.5 and 1 more transcripts); c.5431C>T, p.Arg1811Ter (NM_001409301.1, NM_001409302.1, NM_001409303.1); c.5011C>T, p.Arg1671Ter (NM_001409304.1); c.4678C>T, p.Arg1560Ter (NM_001409305.1); c.4669C>T, p.Arg1557Ter (NM_001409306.1, NM_001409307.1); short protein forms R1811*, R1542*, R1520*, R1557*, R1671*, R1560*.
Identifiers: ClinVar variation 159369 (VCV000159369.20), dbSNP rs587784148, ClinGen allele CA294960.